The following is an entry in ClinVar:

NM_000051.4(ATM):c.2200G>A (p.Val734Ile)

Gene: ATM (ATM serine/threonine kinase; plus strand). Cytogenetic location: 11q22.3.
Variant type: single nucleotide variant.
Coding change: c.2200G>A on transcript NM_000051.4 (MANE Select); coding-DNA position 2200, G replaced by A.
Protein change: p.Val734Ile; replaces valine 734 with isoleucine.
Molecular consequence: missense variant.
Genome position (GRCh38, 1-based): chr11:108,256,290, G>A. VCF-style: chr11-108256290-G-A. GRCh37 (hg19) VCF-style: chr11-108127017-G-A.
Other names: c.2200G>A, p.Val734Ile (NM_001351834.2); c.2200G>A (NM_000051.3); short protein forms V734I.
Identifiers: ClinVar variation 1063257 (VCV001063257.11), dbSNP rs1390127104, ClinGen allele CA382538976.

ClinVar aggregate classification (germline): Conflicting classifications of pathogenicity. Review status: criteria provided, conflicting classifications (1 of 4 stars). 3 submissions from 3 submitters: Uncertain significance (2); Likely benign (1). Last evaluated 2025-05-04.

Conditions:
Hereditary cancer-predisposing syndrome. Also called: Tumor predisposition; Neoplastic Syndromes, Hereditary; Hereditary Cancer Syndrome; Hereditary neoplastic syndrome. Identifiers: Orphanet 140162, MedGen C0027672, MeSH D009386, MONDO:0015356.
Ataxia-telangiectasia syndrome (AT). Also called: ATAXIA-TELANGIECTASIA, FRESNO VARIANT; Ataxia-telangiectasia, complementation group D; AT, COMPLEMENTATION GROUP C; Ataxia-telangiectasia; Ataxia-telangiectasia, complementation group E; Ataxia telangiectasia (A-T). Identifiers: Orphanet 100, MedGen C0004135, MONDO:0008840, OMIM 208900.

gnomAD v4.1: 1 of 1,611,204 alleles (0.000062%); highest among the groups gnomAD compares: South Asian, 0.0011%; no homozygotes.

Submissions (3):

Labcorp Genetics (formerly Invitae), Labcorp
Classification: Uncertain significance for Ataxia-telangiectasia syndrome. Last evaluated: 2025-05-04. Review status: criteria provided, single submitter. Criteria: Invitae Variant Classification Sherloc (09022015). Collection method: clinical testing. Allele origin: germline.
Comment: This sequence change replaces valine, which is neutral and non-polar, with isoleucine, which is neutral and non-polar, at codon 734 of the ATM protein (p.Val734Ile). This variant is not present in population databases (gnomAD no frequency). This variant has not been reported in the literature in individuals affected with ATM-related conditions. ClinVar contains an entry for this variant (Variation ID: 1063257). Invitae Evidence Modeling of protein sequence and biophysical properties (such as structural, functional, and spatial information, amino acid conservation, physicochemical variation, residue mobility, and thermodynamic stability) indicates that this missense variant is not expected to disrupt ATM protein function with a negative predictive value of 95%. In summary, the available evidence is currently insufficient to determine the role of this variant in disease. Therefore, it has been classified as a Variant of Uncertain Significance.

GeneDx
Classification: Uncertain significance. Last evaluated: 2024-11-14. Review status: criteria provided, single submitter. Criteria: GeneDx Variant Classification Process June 2021. Collection method: clinical testing. Allele origin: germline. Affected: yes.
Comment: Observed in an individual with breast cancer, but also seen in unaffected controls (PMID: 33471991); Not observed at significant frequency in large population cohorts (gnomAD); In silico analysis indicates that this missense variant does not alter protein structure/function; This variant is associated with the following publications: (PMID: 33471991)

Ambry Genetics
Classification: Likely benign for Hereditary cancer-predisposing syndrome. Last evaluated: 2024-01-17. Review status: criteria provided, single submitter. Criteria: Ambry Variant Classification Scheme 2023. Collection method: clinical testing. Allele origin: germline.